The following is an entry in ClinVar:

ClinVar aggregate classification (germline): Benign/Likely benign. Review status: criteria provided, multiple submitters, no conflicts (2 of 4 stars). 5 submissions from 5 submitters: Benign (2); Likely benign (2). 1 of the submissions does not count toward it. Last evaluated 2026-03-01.

Conditions:
DNAH9-related disorder. Also called: DNAH9-related condition.

Allele frequency attached by ClinVar (database versions not stated): TOPMed 0.00048; gnomAD exomes 0.00078 and 0.00102; gnomAD 0.00084 and 0.00089; ExAC 0.00111; ESP Exome Variant Server 0.00115.
gnomAD v4.1: 1,261 of 1,613,800 alleles (0.078%); highest among the groups gnomAD compares: Non-Finnish European, 0.077%; 6 homozygotes.

Submissions (5):

CeGaT Center for Human Genetics Tuebingen
Classification: Likely benign. Last evaluated: 2026-03-01. Review status: criteria provided, single submitter. Criteria: CeGaT Center For Human Genetics Tuebingen Variant Classification Criteria Version 2. Collection method: clinical testing. Allele origin: germline. Affected: yes. Observed: 2 variant alleles.
Comment: DNAH9: BP4

Labcorp Genetics (formerly Invitae), Labcorp
Classification: Benign. Last evaluated: 2026-01-26. Review status: criteria provided, single submitter. Criteria: Invitae Variant Classification Sherloc (09022015). Collection method: clinical testing. Allele origin: germline.

Blueprint Genetics
Classification: Likely benign. Last evaluated: 2024-11-26. Review status: criteria provided, single submitter. Criteria: ACMG Guidelines, 2015. Collection method: clinical testing. Allele origin: germline.

Breakthrough Genomics
Classification: Benign. Review status: criteria provided, single submitter. Criteria: ACMG Guidelines, 2015. Collection method: not provided. Allele origin: germline. Inheritance: Autosomal recessive inheritance. Affected: yes.

PreventionGenetics, part of Exact Sciences
Classification: Likely benign for DNAH9-related condition. Last evaluated: 2019-08-26. Review status: no assertion criteria provided. Collection method: clinical testing. Allele origin: germline. Not counted in ClinVar's aggregate classification.
Comment: This variant is classified as likely benign based on ACMG/AMP sequence variant interpretation guidelines (Richards et al. 2015 PMID: 25741868, with internal and published modifications).

NM_001372.4(DNAH9):c.2295G>A (p.Leu765=)

Gene: DNAH9 (dynein axonemal heavy chain 9; plus strand). Cytogenetic location: 17p12.
Variant type: single nucleotide variant.
Coding change: c.2295G>A on transcript NM_001372.4 (MANE Select); coding-DNA position 2295, G replaced by A.
Protein change: p.Leu765=; no amino-acid change (leucine 765 retained).
Molecular consequence: synonymous variant.
Genome position (GRCh38, 1-based): chr17:11,651,266, G>A. VCF-style: chr17-11651266-G-A. GRCh37 (hg19) VCF-style: chr17-11554583-G-A.
Other names: c.2295G>A (NM_001372.3).
Identifiers: ClinVar variation 1634693 (VCV001634693.20), dbSNP rs146934895, ClinGen allele CA8395136.